The following is an entry in ClinVar:

NM_207506.3(SAMD12):c.258G>C (p.Leu86Phe)

Genes: SAMD12 (sterile alpha motif domain containing 12; minus strand), LOC126860479 (P300/CBP strongly-dependent group 1 enhancer GRCh37_chr8:119451504-119452703; plus strand). Cytogenetic location: 8q24.12.
Variant type: single nucleotide variant.
Coding change: c.258G>C on transcript NM_207506.3 (MANE Select); coding-DNA position 258, G replaced by C.
Protein change: p.Leu86Phe; replaces leucine 86 with phenylalanine.
Molecular consequence: missense variant. On other transcripts: non-coding transcript variant (2).
Genome position (GRCh38, 1-based): chr8:118,439,896, C>G on the plus strand (G>C on the coding strand, the complement: SAMD12 is on the minus strand). VCF-style: chr8-118439896-C-G. GRCh37 (hg19) VCF-style: chr8-119452135-C-G.
Other names: c.258G>C, p.Leu86Phe (NM_001101676.2, NM_001349811.2, NM_001363274.2); short protein forms L86F.
Identifiers: ClinVar variation 3234769 (VCV003234769.20), dbSNP rs1335979436, ClinGen allele CA371917007.

ClinVar aggregate classification (germline): Uncertain significance (1 of 4 stars; one submission).

Submission:

CeGaT Center for Human Genetics Tuebingen
Classification: Uncertain significance. Last evaluated: 2024-04-01. Review status: criteria provided, single submitter. Criteria: CeGaT Center For Human Genetics Tuebingen Variant Classification Criteria Version 2. Collection method: clinical testing. Allele origin: germline. Affected: yes. Observed: 1 variant allele.
Comment: SAMD12: PM2